The following is an entry in ClinVar:

NM_000038.6(APC):c.1909G>A (p.Gly637Arg)

Gene: APC (APC regulator of Wnt signaling pathway; plus strand). Cytogenetic location: 5q22.2.
Variant type: single nucleotide variant.
Coding change: c.1909G>A on transcript NM_000038.6 (MANE Select); coding-DNA position 1909, G replaced by A.
Protein change: p.Gly637Arg; replaces glycine 637 with arginine.
Molecular consequence: missense variant.
Genome position (GRCh38, 1-based): chr5:112,835,116, G>A. VCF-style: chr5-112835116-G-A. GRCh37 (hg19) VCF-style: chr5-112170813-G-A.
Other names: c.1909G>A, p.Gly637Arg (NM_001127510.3, NM_001354895.2); c.1855G>A, p.Gly619Arg (NM_001127511.3); c.1963G>A, p.Gly655Arg (NM_001354896.2); c.1939G>A, p.Gly647Arg (NM_001354897.2); c.1834G>A, p.Gly612Arg (NM_001354898.2); c.1825G>A, p.Gly609Arg (NM_001354899.2); c.1786G>A, p.Gly596Arg (NM_001354900.2); c.1732G>A, p.Gly578Arg (NM_001354901.2); and 5 more; short protein forms G619R, G637R, G578R, G655R, G536R, G546R, G609R, G477R.
Identifiers: ClinVar variation 486780 (VCV000486780.16), dbSNP rs1554083227, ClinGen allele CA16025491.

ClinVar aggregate classification (germline): Pathogenic. Review status: criteria provided, multiple submitters, no conflicts (2 of 4 stars). 2 submissions from 2 submitters: Pathogenic (2). Last evaluated 2025-10-02.

Conditions:
Hereditary cancer-predisposing syndrome. Also called: Tumor predisposition; Hereditary Cancer Syndrome; Hereditary neoplastic syndrome; Neoplastic Syndromes, Hereditary. Identifiers: Orphanet 140162, MedGen C0027672, MeSH D009386, MONDO:0015356.
Familial adenomatous polyposis 1 (FAP1). Also called: FAMILIAL ADENOMATOUS POLYPOSIS 1, ATTENUATED; POLYPOSIS, ADENOMATOUS INTESTINAL. Identifiers: MedGen C2713442, MONDO:0021056, OMIM 175100. Disease mechanism: loss of function.

Submissions (2):

Labcorp Genetics (formerly Invitae), Labcorp
Classification: Pathogenic for Familial adenomatous polyposis 1. Last evaluated: 2025-10-02. Review status: criteria provided, single submitter. Criteria: Invitae Variant Classification Sherloc (09022015). Collection method: clinical testing. Allele origin: germline.
Comment: This sequence change replaces glycine, which is neutral and non-polar, with arginine, which is basic and polar, at codon 637 of the APC protein (p.Gly637Arg). RNA analysis indicates that this missense change induces altered splicing and likely disrupts the C-terminus of the protein. This variant is not present in population databases (gnomAD no frequency). This variant has not been reported in the literature in individuals affected with APC-related conditions. ClinVar contains an entry for this variant (Variation ID: 486780). Invitae Evidence Modeling of protein sequence and biophysical properties (such as structural, functional, and spatial information, amino acid conservation, physicochemical variation, residue mobility, and thermodynamic stability) has been performed for this missense variant. However, the output from this modeling did not meet the statistical confidence thresholds required to predict the impact of this variant on APC protein function. Studies have shown that this missense change results in skipping of exon 15 and introduces a new termination codon (internal data). However the mRNA is not expected to undergo nonsense-mediated decay. This variant is expected to disrupt the EB1 and HDLG binding sites, which mediate interactions with the cytoskeleton (PMID: 15311282, 17293347). While functional studies have not been performed to directly test the effect on APC protein function, this suggests that disruption of the C-terminal portion of the protein is functionally important. A different truncation (p.Tyr2645Lysfs*14) that lies downstream of this variant has been determined to be pathogenic (PMID: 9824584, 1316610, 27081525, 8381579, 22135120, internal data). This suggests that deletion of this region of the APC protein is causative of disease. For these reasons, this variant has been classified as Pathogenic.

Ambry Genetics
Classification: Pathogenic for Hereditary cancer-predisposing syndrome. Last evaluated: 2023-03-10. Review status: criteria provided, single submitter. Criteria: Ambry Variant Classification Scheme 2023. Collection method: clinical testing. Allele origin: germline.
Comment: The p.G637R pathogenic mutation (also known as c.1909G>A), located in coding exon 14 of the APC gene, results from a G to A substitution at nucleotide position 1909. The glycine at codon 637 is replaced by arginine, an amino acid with dissimilar properties. This alteration has been observed in multiple individuals with a personal and/or family history that is consistent with APC-related disease (Ambry internal data). This nucleotide position is highly conserved in available vertebrate species. In silico splice site analysis for this alteration is inconclusive. RNA studies have demonstrated that this alteration results in abnormal splicing in the set of samples tested (Ambry internal data). This amino acid position is highly conserved in available vertebrate species. In addition, as a missense alteration, the in silico prediction for this alteration is inconclusive. Based on the supporting evidence, this alteration is interpreted as a disease-causing mutation.

Literature cited by the submitters: PubMed 15311282 (cited by Labcorp Genetics (formerly Invitae), Labcorp); PubMed 17293347 (cited by Labcorp Genetics (formerly Invitae), Labcorp); PubMed 9824584 (cited by Labcorp Genetics (formerly Invitae), Labcorp); PubMed 1316610 (cited by Labcorp Genetics (formerly Invitae), Labcorp); PubMed 27081525 (cited by Labcorp Genetics (formerly Invitae), Labcorp); PubMed 8381579 (cited by Labcorp Genetics (formerly Invitae), Labcorp); PubMed 22135120 (cited by Labcorp Genetics (formerly Invitae), Labcorp).